The following is an entry in ClinVar:

ClinVar aggregate classification (germline): Uncertain significance. Review status: criteria provided, multiple submitters, no conflicts (2 of 4 stars). 3 submissions from 3 submitters: Uncertain significance (3). Last evaluated 2025-09-05.

Conditions:
Inborn genetic diseases. Identifiers: MedGen C0950123, MeSH D030342.

gnomAD v4.1: 1 of 1,614,200 alleles (0.000062%); highest among the groups gnomAD compares: Non-Finnish European, 0.000085%; no homozygotes.

Submissions (3):

Ambry Genetics
Classification: Uncertain significance for Inborn genetic diseases. Last evaluated: 2025-09-05. Review status: criteria provided, single submitter. Criteria: Ambry Variant Classification Scheme 2023. Collection method: clinical testing. Allele origin: germline.

CeGaT Center for Human Genetics Tuebingen
Classification: Uncertain significance. Last evaluated: 2024-07-01. Review status: criteria provided, single submitter. Criteria: CeGaT Center For Human Genetics Tuebingen Variant Classification Criteria Version 2. Collection method: clinical testing. Allele origin: germline. Affected: yes. Observed: 1 variant allele.
Comment: NSD1: PM2

Labcorp Genetics (formerly Invitae), Labcorp
Classification: Uncertain significance. Last evaluated: 2024-01-15. Review status: criteria provided, single submitter. Criteria: Invitae Variant Classification Sherloc (09022015). Collection method: clinical testing. Allele origin: germline.
Comment: This sequence change replaces proline, which is neutral and non-polar, with arginine, which is basic and polar, at codon 2339 of the NSD1 protein (p.Pro2339Arg). This variant is not present in population databases (gnomAD no frequency). This variant has not been reported in the literature in individuals affected with NSD1-related conditions. Advanced modeling of protein sequence and biophysical properties (such as structural, functional, and spatial information, amino acid conservation, physicochemical variation, residue mobility, and thermodynamic stability) performed at Invitae indicates that this missense variant is not expected to disrupt NSD1 protein function with a negative predictive value of 95%. In summary, the available evidence is currently insufficient to determine the role of this variant in disease. Therefore, it has been classified as a Variant of Uncertain Significance.

NM_022455.5(NSD1):c.7016C>G (p.Pro2339Arg)

Gene: NSD1 (nuclear receptor binding SET domain protein 1; plus strand). Cytogenetic location: 5q35.3.
Variant type: single nucleotide variant.
Coding change: c.7016C>G on transcript NM_022455.5 (MANE Select); coding-DNA position 7016, C replaced by G.
Protein change: p.Pro2339Arg; replaces proline 2339 with arginine.
Molecular consequence: missense variant.
Genome position (GRCh38, 1-based): chr5:177,294,384, C>G. VCF-style: chr5-177294384-C-G. GRCh37 (hg19) VCF-style: chr5-176721385-C-G.
Other names: c.6143C>G, p.Pro2048Arg (NM_001365684.2, NM_001409308.1, NM_172349.5); c.7016C>G, p.Pro2339Arg (NM_001409301.1, NM_001409302.1, NM_001409303.1); c.6596C>G, p.Pro2199Arg (NM_001409304.1); c.6263C>G, p.Pro2088Arg (NM_001409305.1); c.6254C>G, p.Pro2085Arg (NM_001409306.1, NM_001409307.1); c.5894C>G, p.Pro1965Arg (NM_001409309.1); short protein forms P1965R, P2048R, P2085R, P2088R, P2199R, P2339R.
Identifiers: ClinVar variation 3257225 (VCV003257225.20).